The following is an entry in ClinVar:

ClinVar aggregate classification (germline): Benign (0 of 4 stars; one submission).

Conditions:
Familial cancer of breast. Also called: BREAST CANCER, FAMILIAL; hereditary breast carcinoma; Hereditary breast cancer. Identifiers: Orphanet 227535, MedGen C0346153, MONDO:0016419, OMIM 114480. Disease mechanism: loss of function.

Submission:

Leiden Open Variation Database
Classification: Benign for Familial cancer of breast. Last evaluated: 2019-05-13. Review status: no assertion criteria provided. Collection method: curation. Allele origin: germline. Affected: yes.
Comment: Curators: Marc Tischkowitz, Arleen D. Auerbach. Submitter to LOVD: Marc Tischkowitz.

Literature cited by the submitters: PubMed 20852946; PubMed 20927582.

NC_000016.10:g.23641516C>G

Genes: DCTN5 (dynactin subunit 5; plus strand), PALB2 (partner and localizer of BRCA2; minus strand). Cytogenetic location: 16p12.2.
Variant type: single nucleotide variant.
Molecular consequence: 5 prime UTR variant (on NM_032486.4). On other transcripts: non-coding transcript variant (1).
Genome position: GRCh38 VCF-style: chr16-23641516-C-G. GRCh37 (hg19) VCF-style: chr16-23652837-C-G.
Other names: c.-27C>G (NM_001199011.2, NM_001199743.2, NM_032486.4).
Identifiers: ClinVar variation 126576 (VCV000126576.3), dbSNP rs515726057, ClinGen allele CA269471.